The following is an entry in ClinVar:

NM_001001563.5(TIMM50):c.108+20C>T

Gene: TIMM50 (translocase of inner mitochondrial membrane 50; plus strand). Cytogenetic location: 19q13.2.
Variant type: single nucleotide variant.
Coding change: c.108+20C>T on transcript NM_001001563.5 (MANE Select); 20 bases into the intron after coding-DNA position 108, C replaced by T.
Molecular consequence: intron variant.
Genome position (GRCh38, 1-based): chr19:39,480,981, C>T. VCF-style: chr19-39480981-C-T. GRCh37 (hg19) VCF-style: chr19-39971621-C-T.
Other names: c.-173+20C>T (NM_001329559.2).
Identifiers: ClinVar variation 2498779 (VCV002498779.29), dbSNP rs142904888, ClinGen allele CA9431655.

ClinVar aggregate classification (germline): Benign. Review status: criteria provided, multiple submitters, no conflicts (2 of 4 stars). 2 submissions from 2 submitters: Benign (2). Last evaluated 2025-11-15.

Allele frequency attached by ClinVar (database versions not stated): ESP Exome Variant Server 0.00212; TOPMed 0.00695; gnomAD 0.00761; ExAC 0.00826; 1000 Genomes Project 30x 0.00859; 1000 Genomes Project 0.00899.
gnomAD v4.1: 10,057 of 1,567,380 alleles (0.64%); highest among the groups gnomAD compares: Middle Eastern, 1.1%; 40 homozygotes.

Submissions (2):

Labcorp Genetics (formerly Invitae), Labcorp
Classification: Benign. Last evaluated: 2025-11-15. Review status: criteria provided, single submitter. Criteria: Invitae Variant Classification Sherloc (09022015). Collection method: clinical testing. Allele origin: germline.

CeGaT Center for Human Genetics Tuebingen
Classification: Benign. Last evaluated: 2025-11-01. Review status: criteria provided, single submitter. Criteria: CeGaT Center For Human Genetics Tuebingen Variant Classification Criteria Version 2. Collection method: clinical testing. Allele origin: germline. Affected: yes. Observed: 17 variant alleles.
Comment: TIMM50: BS1, BS2